The following is an entry in ClinVar:

ClinVar aggregate classification (germline): Uncertain significance. Review status: criteria provided, multiple submitters, no conflicts (2 of 4 stars). 2 submissions from 2 submitters: Uncertain significance (2). Last evaluated 2024-11-23.

Conditions:
Inborn genetic diseases. Identifiers: MedGen C0950123, MeSH D030342.
Neonatal-onset encephalopathy with rigidity and seizures. Also called: Lethal neonatal spasticity-epileptic encephalopathy syndrome. Identifiers: Orphanet 435845, MedGen C3281029, MONDO:0013784, OMIM 614498.

Submissions (2):

Ambry Genetics
Classification: Uncertain significance for Inborn genetic diseases. Last evaluated: 2024-11-23. Review status: criteria provided, single submitter. Criteria: Ambry Variant Classification Scheme 2023. Collection method: clinical testing. Allele origin: germline.

Labcorp Genetics (formerly Invitae), Labcorp
Classification: Uncertain significance for Neonatal-onset encephalopathy with rigidity and seizures. Last evaluated: 2022-09-13. Review status: criteria provided, single submitter. Criteria: Invitae Variant Classification Sherloc (09022015). Collection method: clinical testing. Allele origin: germline.
Comment: This variant has not been reported in the literature in individuals affected with BRAT1-related conditions. This sequence change replaces glutamine, which is neutral and polar, with leucine, which is neutral and non-polar, at codon 438 of the BRAT1 protein (p.Gln438Leu). This variant is not present in population databases (gnomAD no frequency). ClinVar contains an entry for this variant (Variation ID: 850523). Advanced modeling of protein sequence and biophysical properties (such as structural, functional, and spatial information, amino acid conservation, physicochemical variation, residue mobility, and thermodynamic stability) performed at Invitae indicates that this missense variant is not expected to disrupt BRAT1 protein function. In summary, the available evidence is currently insufficient to determine the role of this variant in disease. Therefore, it has been classified as a Variant of Uncertain Significance.

NM_152743.4(BRAT1):c.1313A>T (p.Gln438Leu)

Gene: BRAT1 (BRCA1 associated ATM activator 1; minus strand). Cytogenetic location: 7p22.3.
Variant type: single nucleotide variant.
Coding change: c.1313A>T on transcript NM_152743.4 (MANE Select); coding-DNA position 1313, A replaced by T.
Protein change: p.Gln438Leu; replaces glutamine 438 with leucine.
Molecular consequence: missense variant. On other transcripts: non-coding transcript variant (1).
Genome position (GRCh38, 1-based): chr7:2,541,306, T>A on the plus strand (A>T on the coding strand, the complement: BRAT1 is on the minus strand). VCF-style: chr7-2541306-T-A. GRCh37 (hg19) VCF-style: chr7-2580940-T-A.
Other names: c.1313A>T, p.Gln438Leu (NM_001350626.2); c.788A>T, p.Gln263Leu (NM_001350627.2); short protein forms Q263L, Q438L.
Identifiers: ClinVar variation 850523 (VCV000850523.10), dbSNP rs777754523, ClinGen allele CA366628915.
Genomic context (GRCh38, chr7:2,541,306, plus strand): 5'-GAGTGGGGGCACAGGGATAGCCCCACGCCAAAGCCGTACAGAACACACTCACCTGTCCCC[T>A]GTGACAGCGTCCCCAGGAAGTCGAGGGCTGCTCGCTGGACCCGGACGCAGCCCGCCAGGG-3'
Protein context (NP_689956.2, residues 428-448): AALDFLGTLS[Gln438Leu]GTGPQELVTQ